The following is an entry in ClinVar:

ClinVar aggregate classification (germline): Likely benign. Review status: criteria provided, multiple submitters, no conflicts (2 of 4 stars). 3 submissions from 3 submitters: Likely benign (3). Last evaluated 2024-10-06.

Conditions:
Cardiovascular phenotype. Identifiers: MedGen CN230736.
DK1-congenital disorder of glycosylation. Also called: CONGENITAL DISORDER OF GLYCOSYLATION, TYPE Im; CDG Im; DOLK-congenital disorder of glycosylation; Carbohydrate deficient glycoprotein syndrome type 1m; DK1-CDG; DK1 DEFICIENCY. Identifiers: Orphanet 91131, MedGen C1835849, MONDO:0012556, OMIM 610768.

Allele frequency attached by ClinVar (database versions not stated): gnomAD exomes below 0.00001; gnomAD 0.00001; TOPMed 0.00002.

Submissions (3):

Labcorp Genetics (formerly Invitae), Labcorp
Classification: Likely benign for DK1-congenital disorder of glycosylation. Last evaluated: 2024-10-06. Review status: criteria provided, single submitter. Criteria: Invitae Variant Classification Sherloc (09022015). Collection method: clinical testing. Allele origin: germline.

CeGaT Center for Human Genetics Tuebingen
Classification: Likely benign. Last evaluated: 2024-04-01. Review status: criteria provided, single submitter. Criteria: CeGaT Center For Human Genetics Tuebingen Variant Classification Criteria Version 2. Collection method: clinical testing. Allele origin: germline. Affected: yes. Observed: 1 variant allele.
Comment: DOLK: BP4, BP7

Ambry Genetics
Classification: Likely benign for Cardiovascular phenotype. Last evaluated: 2021-03-31. Review status: criteria provided, single submitter. Criteria: Ambry Variant Classification Scheme 2023. Collection method: clinical testing. Allele origin: germline.

NM_014908.4(DOLK):c.90G>A (p.Val30=)

Gene: DOLK (dolichol kinase; minus strand). Cytogenetic location: 9q34.11.
Variant type: single nucleotide variant.
Coding change: c.90G>A on transcript NM_014908.4 (MANE Select); coding-DNA position 90, G replaced by A.
Protein change: p.Val30=; no amino-acid change (valine 30 retained).
Molecular consequence: synonymous variant.
Genome position (GRCh38, 1-based): chr9:128,947,214, C>T on the plus strand (G>A on the coding strand, the complement: DOLK is on the minus strand). VCF-style: chr9-128947214-C-T. GRCh37 (hg19) VCF-style: chr9-131709493-C-T.
Identifiers: ClinVar variation 1088050 (VCV001088050.31), dbSNP rs766960135, ClinGen allele CA200445571.